The following is an entry in ClinVar:

ClinVar aggregate classification (germline): Uncertain significance (1 of 4 stars; one submission).

Allele frequency attached by ClinVar (database versions not stated): gnomAD 0.00002; 1000 Genomes Project 0.00060; 1000 Genomes Project 30x 0.00062.
gnomAD v4.1: 3 of 1,607,642 alleles (0.00019%); highest among the groups gnomAD compares: African/African-American, 0.004%; no homozygotes.

Submission:

GeneDx
Classification: Uncertain significance. Last evaluated: 2019-03-25. Review status: criteria provided, single submitter. Criteria: GeneDx Variant Classification Process June 2021. Collection method: clinical testing. Allele origin: germline. Affected: yes.
Comment: Has not been previously published as pathogenic or benign to our knowledge; Not observed in large population cohorts (Lek et al., 2016); In silico analysis, which includes protein predictors and evolutionary conservation, supports that this variant does not alter protein structure/function

NM_152743.4(BRAT1):c.1252A>T (p.Thr418Ser)

Gene: BRAT1 (BRCA1 associated ATM activator 1; minus strand). Cytogenetic location: 7p22.3.
Variant type: single nucleotide variant.
Coding change: c.1252A>T on transcript NM_152743.4 (MANE Select); coding-DNA position 1252, A replaced by T.
Protein change: p.Thr418Ser; replaces threonine 418 with serine.
Molecular consequence: missense variant. On other transcripts: non-coding transcript variant (1).
Genome position (GRCh38, 1-based): chr7:2,541,367, T>A on the plus strand (A>T on the coding strand, the complement: BRAT1 is on the minus strand). VCF-style: chr7-2541367-T-A. GRCh37 (hg19) VCF-style: chr7-2581001-T-A.
Other names: c.1252A>T, p.Thr418Ser (NM_001350626.2); c.727A>T, p.Thr243Ser (NM_001350627.2); short protein forms T243S, T418S.
Identifiers: ClinVar variation 1302181 (VCV001302181.2), dbSNP rs202145442, ClinGen allele CA4127868.